The following is an entry in ClinVar:

ClinVar aggregate classification (germline): Uncertain significance. Review status: criteria provided, multiple submitters, no conflicts (2 of 4 stars). 2 submissions from 2 submitters: Uncertain significance (2). Last evaluated 2025-12-17.

Conditions:
Hereditary cancer-predisposing syndrome. Also called: Tumor predisposition; Hereditary neoplastic syndrome; Hereditary Cancer Syndrome; Neoplastic Syndromes, Hereditary. Identifiers: Orphanet 140162, MedGen C0027672, MeSH D009386, MONDO:0015356.
Rhabdoid tumor predisposition syndrome 2 (RTPS2). Identifiers: Orphanet 231108, Orphanet 69077, MedGen C2750074, MONDO:0013224, OMIM 613325.

Allele frequency attached by ClinVar (database versions not stated): gnomAD exomes 0.00001.
gnomAD v4.1: 7 of 1,604,616 alleles (0.00044%); highest among the groups gnomAD compares: Non-Finnish European, 0.0006%; no homozygotes.

Submissions (2):

Ambry Genetics
Classification: Uncertain significance for Hereditary cancer-predisposing syndrome. Last evaluated: 2025-12-17. Review status: criteria provided, single submitter. Criteria: Ambry Variant Classification Scheme 2023. Collection method: clinical testing. Allele origin: germline.
Comment: The p.K1543R variant (also known as c.4628A>G), located in coding exon 31 of the SMARCA4 gene, results from an A to G substitution at nucleotide position 4628. The lysine at codon 1543 is replaced by arginine, an amino acid with highly similar properties. This amino acid position is highly conserved in available vertebrate species. In addition, this alteration is predicted to be tolerated by in silico analysis. Missense and in-frame variants in SMARCA4 are known to cause neurodevelopmental disorders; however, such associations with rhabdoid tumor predisposition syndrome including small cell carcinoma of the ovary-hypercalcemic type (SCCOHT) are exceedingly rare (Kosho T et al. Am J Med Genet C Semin Med Genet. 2014 Sep;166C(3):262-75; Jelinic P et al. Nat Genet. 2014 May;46(5):424-6). Based on the supporting evidence, the association of this alteration with Coffin-Siris syndrome is unknown; however, the association of this alteration with rhabdoid tumor predisposition syndrome is unlikely.

Labcorp Genetics (formerly Invitae), Labcorp
Classification: Uncertain significance for Rhabdoid tumor predisposition syndrome 2. Last evaluated: 2024-04-30. Review status: criteria provided, single submitter. Criteria: Invitae Variant Classification Sherloc (09022015). Collection method: clinical testing. Allele origin: germline.
Comment: This sequence change replaces lysine, which is basic and polar, with arginine, which is basic and polar, at codon 1543 of the SMARCA4 protein (p.Lys1543Arg). This variant is not present in population databases (gnomAD no frequency). This variant has not been reported in the literature in individuals affected with SMARCA4-related conditions. ClinVar contains an entry for this variant (Variation ID: 950907). An algorithm developed to predict the effect of missense changes on protein structure and function (PolyPhen-2) suggests that this variant is likely to be tolerated. In summary, the available evidence is currently insufficient to determine the role of this variant in disease. Therefore, it has been classified as a Variant of Uncertain Significance.

NM_003072.5(SMARCA4):c.4532A>G (p.Lys1511Arg)

Gene: SMARCA4 (SWI/SNF related BAF chromatin remodeling complex subunit ATPase 4; plus strand). Cytogenetic location: 19p13.2.
Variant type: single nucleotide variant.
Coding change: c.4532A>G on transcript NM_003072.5 (MANE Select); coding-DNA position 4532, A replaced by G.
Protein change: p.Lys1511Arg; replaces lysine 1511 with arginine.
Molecular consequence: missense variant. On other transcripts: non-coding transcript variant (1).
Genome position (GRCh38, 1-based): chr19:11,058,362, A>G. VCF-style: chr19-11058362-A-G. GRCh37 (hg19) VCF-style: chr19-11169038-A-G.
Other names: c.4532A>G, p.Lys1511Arg (NM_001128844.3); c.4442A>G, p.Lys1481Arg (NM_001128845.2); c.4439A>G, p.Lys1480Arg (NM_001128846.2); c.4433A>G, p.Lys1478Arg (NM_001128847.4, NM_001374457.1); c.4430A>G, p.Lys1477Arg (NM_001128848.2); c.4628A>G, p.Lys1543Arg (NM_001128849.3); short protein forms K1477R, K1480R, K1511R, K1481R, K1478R, K1543R.
Identifiers: ClinVar variation 950907 (VCV000950907.13), dbSNP rs2076664922, ClinGen allele CA404078038.